The following is an entry in ClinVar:

NC_000008.10:g.(?_108509470)_(108509786_?)dup

Gene: ANGPT1 (angiopoietin 1; minus strand). Cytogenetic location: 8q23.1.
Variant type: Duplication.
Identifiers: ClinVar variation 3245560 (VCV003245560.1).

ClinVar aggregate classification (germline): Uncertain significance (1 of 4 stars; one submission).

Submission:

Labcorp Genetics (formerly Invitae), Labcorp
Classification: Uncertain significance. Last evaluated: 2023-07-28. Review status: criteria provided, single submitter. Criteria: Invitae Variant Classification Sherloc (09022015). Collection method: clinical testing. Allele origin: unknown.
Comment: This variant results in a copy number gain of the genomic region encompassing exon(s) 1 of the ANGPT1 gene. This region includes the initiator codon of the gene. This copy number gain extends beyond the assayed region for this gene and therefore may encompass additional genes. As the precise location of this event is unknown, it may be in tandem or it may be located elsewhere in the genome. In summary, the available evidence is currently insufficient to determine the role of this variant in disease. Therefore, it has been classified as a Variant of Uncertain Significance. This variant has not been reported in the literature in individuals affected with ANGPT1-related conditions.